The following is an entry in ClinVar:

ClinVar aggregate classification (germline): Uncertain significance (0 of 4 stars; one submission).

Conditions:
PKHD1L1-related disorder. Also called: PKHD1L1-related condition.

gnomAD v4.1: 14 of 1,455,440 alleles (0.00096%); highest among the groups gnomAD compares: Non-Finnish European, 0.0013%; no homozygotes.

Submission:

PreventionGenetics, part of Exact Sciences
Classification: Uncertain significance for PKHD1L1-related condition. Last evaluated: 2024-09-26. Review status: no assertion criteria provided. Collection method: clinical testing. Allele origin: germline.
Comment: The PKHD1L1 c.10994+1G>A variant is predicted to disrupt the GT donor site and interfere with normal splicing. To our knowledge, this variant has not been reported in the literature or in a large population database, indicating this variant is rare. At this time, the clinical significance of this variant is uncertain due to the absence of conclusive functional and genetic evidence.

NM_177531.6(PKHD1L1):c.10994+1G>A

Gene: PKHD1L1 (PKHD1 like 1; plus strand). Cytogenetic location: 8q23.2.
Variant type: single nucleotide variant.
Coding change: c.10994+1G>A on transcript NM_177531.6 (MANE Select); the canonical splice donor site of the intron after coding-DNA position 10994, G replaced by A.
Molecular consequence: splice donor variant.
Genome position (GRCh38, 1-based): chr8:109,504,493, G>A. VCF-style: chr8-109504493-G-A. GRCh37 (hg19) VCF-style: chr8-110516722-G-A.
Identifiers: ClinVar variation 3357039 (VCV003357039.1).
Genomic context (GRCh38, chr8:109,504,493, plus strand): 5'-TATAAAACTGGTTGATACCACTGAACAATCAAAAATATTTATACATAGGCCTGATATAAG[G>A]TAAAATACATAAAAATTGTGGTTTTTCTATCTTTATAGTTTTTCATTCTCACTTCCTCCT-3'